The following is an entry in ClinVar:

NM_004484.4(GPC3):c.382G>A (p.Ala128Thr)

Gene: GPC3 (glypican 3; minus strand). Cytogenetic location: Xq26.2.
Variant type: single nucleotide variant.
Coding change: c.382G>A on transcript NM_004484.4 (MANE Select); coding-DNA position 382, G replaced by A.
Protein change: p.Ala128Thr; replaces alanine 128 with threonine.
Molecular consequence: missense variant.
Genome position (GRCh38, 1-based): chrX:133,754,132, C>T on the plus strand (G>A on the coding strand, the complement: GPC3 is on the minus strand). VCF-style: chrX-133754132-C-T. GRCh37 (hg19) VCF-style: chrX-132888159-C-T.
Other names: c.382G>A, p.Ala128Thr (NM_001164617.2); c.334G>A, p.Ala112Thr (NM_001164618.2); c.220G>A, p.Ala74Thr (NM_001164619.2); short protein forms A112T, A128T, A74T.
Identifiers: ClinVar variation 3015056 (VCV003015056.3), dbSNP rs2521358708, ClinGen allele CA414706764.
Genomic context (GRCh38, chrX:133,754,132, plus strand): 5'-ATTCACCCACAAACTCAAAAGCTTGTGGAGTCAGGCTTGGGTAGTTGTTCTTGAACATGG[C>T]ATTGGTGTAGTTCTTGGCATGGCGAACAACAATTTCAAAGGCCTCTGTAAAAAAAAAAAA-3'
Protein context (NP_004475.1, residues 118-138): VVRHAKNYTN[Ala128Thr]MFKNNYPSLT

ClinVar aggregate classification (germline): Uncertain significance (1 of 4 stars; one submission).

Conditions:
Wilms tumor 1 (WT1). Also called: Wilms tumor, somatic. Identifiers: Orphanet 654, MedGen CN033288, MONDO:0008679, OMIM 194070.

Submission:

Labcorp Genetics (formerly Invitae), Labcorp
Classification: Uncertain significance for Wilms tumor 1. Last evaluated: 2023-10-28. Review status: criteria provided, single submitter. Criteria: Invitae Variant Classification Sherloc (09022015). Collection method: clinical testing. Allele origin: germline.
Comment: This sequence change replaces alanine, which is neutral and non-polar, with threonine, which is neutral and polar, at codon 128 of the GPC3 protein (p.Ala128Thr). This variant is not present in population databases (gnomAD no frequency). This variant has not been reported in the literature in individuals affected with GPC3-related conditions. Advanced modeling of protein sequence and biophysical properties (such as structural, functional, and spatial information, amino acid conservation, physicochemical variation, residue mobility, and thermodynamic stability) performed at Invitae indicates that this missense variant is not expected to disrupt GPC3 protein function with a negative predictive value of 80%. In summary, the available evidence is currently insufficient to determine the role of this variant in disease. Therefore, it has been classified as a Variant of Uncertain Significance.